The following is an entry in ClinVar:

NM_001999.4(FBN2):c.6915_6916del (p.Cys2305_Glu2306delinsTer)

Gene: FBN2 (fibrillin 2; minus strand). Cytogenetic location: 5q23.3.
Variant type: Microsatellite.
Coding change: c.6915_6916del on transcript NM_001999.4 (MANE Select); coding-DNA positions 6915 to 6916, 2 bases deleted (TG; older notation c.6915_6916delTG).
Protein change: p.Cys2305_Glu2306delinsTer.
Molecular consequence: nonsense.
Genome position (GRCh38, 1-based): chr5:128,286,814-128,286,815, CA deleted on the plus strand (TG on the coding strand, the reverse complement: FBN2 is on the minus strand); deleting any 2 consecutive bases within chr5:128,286,814-128,286,817 gives the same sequence; the c. name uses the placement nearest the transcript's 3' end. VCF-style (leftmost placement, unchanged base first): chr5-128286813-TCA-T. GRCh37 (hg19) VCF-style: chr5-127622505-TCA-T.
Identifiers: ClinVar variation 4255491 (VCV004255491.1).

ClinVar aggregate classification (germline): Uncertain significance (1 of 4 stars; one submission).

Conditions:
Familial thoracic aortic aneurysm and aortic dissection (TAAD). Also called: Thoracic aortic aneurysms and dissections. Identifiers: Orphanet 91387, MedGen C4707243, MONDO:0019625.

Submission:

Ambry Genetics
Classification: Uncertain significance for Familial thoracic aortic aneurysm and aortic dissection. Last evaluated: 2025-07-17. Review status: criteria provided, single submitter. Criteria: Ambry Variant Classification Scheme 2023. Collection method: clinical testing. Allele origin: germline.
Comment: The c.6915_6916delTG variant, located in coding exon 55 of the FBN2 gene, results from a deletion of two nucleotides at nucleotide positions 6915 to 6916, causing a translational frameshift with a predicted alternate stop codon (p.C2305*). This alteration is expected to result in protein truncation or nonsense-mediated mRNA decay. However, loss of function of FBN2 has not been established as a mechanism of disease. Based on the available evidence, the clinical significance of this alteration remains unclear.